The following is an entry in ClinVar:

ClinVar aggregate classification (germline): Conflicting classifications of pathogenicity. Review status: criteria provided, conflicting classifications (1 of 4 stars). 6 submissions from 6 submitters: Uncertain significance (5); Likely benign (1). Last evaluated 2025-09-17.

Conditions:
Hereditary cancer-predisposing syndrome. Also called: Hereditary Cancer Syndrome; Neoplastic Syndromes, Hereditary; Tumor predisposition; Hereditary neoplastic syndrome. Identifiers: Orphanet 140162, MedGen C0027672, MeSH D009386, MONDO:0015356.
Fanconi anemia complementation group J. Also called: BRIP1-Related Fanconi Anemia. Identifiers: Orphanet 84, MedGen C1836860, MONDO:0012187, OMIM 609054.
Familial cancer of breast. Also called: Hereditary breast cancer; hereditary breast carcinoma; BREAST CANCER, FAMILIAL. Identifiers: Orphanet 227535, MedGen C0346153, MONDO:0016419, OMIM 114480. Disease mechanism: loss of function.

Allele frequency attached by ClinVar (database versions not stated): gnomAD exomes below 0.00001 and 0.00002.
gnomAD v4.1: 27 of 1,609,234 alleles (0.0017%); highest among the groups gnomAD compares: Non-Finnish European, 0.0023%; no homozygotes.

Submissions (6):

Labcorp Genetics (formerly Invitae), Labcorp
Classification: Uncertain significance for Familial cancer of breast; Fanconi anemia complementation group J. Last evaluated: 2025-09-17. Review status: criteria provided, single submitter. Criteria: Invitae Variant Classification Sherloc (09022015). Collection method: clinical testing. Allele origin: germline.
Comment: This sequence change replaces proline, which is neutral and non-polar, with leucine, which is neutral and non-polar, at codon 1246 of the BRIP1 protein (p.Pro1246Leu). This variant is present in population databases (no rsID available, gnomAD 0.0009%). This variant has not been reported in the literature in individuals affected with BRIP1-related conditions. ClinVar contains an entry for this variant (Variation ID: 232920). Invitae Evidence Modeling of protein sequence and biophysical properties (such as structural, functional, and spatial information, amino acid conservation, physicochemical variation, residue mobility, and thermodynamic stability) indicates that this missense variant is not expected to disrupt BRIP1 protein function with a negative predictive value of 95%. In summary, the available evidence is currently insufficient to determine the role of this variant in disease. Therefore, it has been classified as a Variant of Uncertain Significance.

Ambry Genetics
Classification: Uncertain significance for Hereditary cancer-predisposing syndrome. Last evaluated: 2025-08-02. Review status: criteria provided, single submitter. Criteria: Ambry Variant Classification Scheme 2023. Collection method: clinical testing. Allele origin: germline.
Comment: The p.P1246L variant (also known as c.3737C>T), located in coding exon 19 of the BRIP1 gene, results from a C to T substitution at nucleotide position 3737. The proline at codon 1246 is replaced by leucine, an amino acid with similar properties. This amino acid position is not well conserved in available vertebrate species. In addition, this alteration is predicted to be tolerated by in silico analysis. Since supporting evidence is limited at this time, the clinical significance of this alteration remains unclear.

GeneDx
Classification: Uncertain significance. Last evaluated: 2024-06-30. Review status: criteria provided, single submitter. Criteria: GeneDx Variant Classification Process June 2021. Collection method: clinical testing. Allele origin: germline. Affected: yes.
Comment: Not observed at significant frequency in large population cohorts (gnomAD); In silico analysis indicates that this missense variant does not alter protein structure/function; Observed in an individual with Fanconi anemia; however, this patient also carried two variants in the FANCL gene, suspected to be the underlying cause of disease (PMID: 23613520); This variant is associated with the following publications: (PMID: 27997549, 22842228, 23613520, 33471991)

Color Diagnostics, LLC DBA Color Health
Classification: Uncertain significance for Hereditary cancer-predisposing syndrome. Last evaluated: 2024-06-24. Review status: criteria provided, single submitter. Criteria: ACMG Guidelines, 2015. Collection method: clinical testing. Allele origin: germline.
Comment: This missense variant replaces proline with leucine at codon 1246 of the BRIP1 protein. Computational prediction suggests that this variant may not impact protein structure and function. To our knowledge, functional studies have not been reported for this variant. In an international breast cancer case-control meta-analysis, this variant was detected in 1/60466 cases and absent in 53461 unaffected controls (PMID: 33471991). This variant has been identified in 1/250394 chromosomes in the general population by the Genome Aggregation Database (gnomAD). The available evidence is insufficient to determine the role of this variant in disease conclusively. Therefore, this variant is classified as a Variant of Uncertain Significance.

Sema4
Classification: Uncertain significance for Hereditary cancer-predisposing syndrome. Last evaluated: 2021-12-16. Review status: criteria provided, single submitter. Criteria: Sema4 Curation Guidelines. Collection method: curation. Allele origin: germline.
Comment: The BRIP1 c.3737C>T (p.P1246L) variant has been reported in a large case-control study in 1/60466 breast cancer cases and was absent in 53461 controls (PMID: 33471991). It was observed in 1/113392 chromosomes of the Non-Finnish European subpopulation in the large and broad cohorts of the Genome Aggregation Database (PMID: 32461654). The variant has been reported in ClinVar (Variation ID 232920). In silico tools suggest the impact of the variant on protein function is benign though these predictions have not been confirmed by functional studies. The evidence is insufficient to meet ACMG/AMP criteria for classifying the variant as benign or pathogenic. Thus, the clinical significance of this variant is currently uncertain.

Institute of Human Genetics, University of Leipzig Medical Center
Classification: Likely benign for Familial cancer of breast. Last evaluated: 2019-01-01. Review status: criteria provided, single submitter. Criteria: ACMG Guidelines, 2015. Collection method: clinical testing. Allele origin: unknown. Affected: yes.

Literature cited by the submitters: PubMed 33471991 (cited by Color Diagnostics, LLC DBA Color Health and Sema4).

NM_032043.3(BRIP1):c.3737C>T (p.Pro1246Leu)

Gene: BRIP1 (BRCA1 interacting DNA helicase 1; minus strand). Cytogenetic location: 17q23.2.
Variant type: single nucleotide variant.
Coding change: c.3737C>T on transcript NM_032043.3 (MANE Select); coding-DNA position 3737, C replaced by T.
Protein change: p.Pro1246Leu; replaces proline 1246 with leucine.
Molecular consequence: missense variant.
Genome position (GRCh38, 1-based): chr17:61,683,309, G>A on the plus strand (C>T on the coding strand, the complement: BRIP1 is on the minus strand). VCF-style: chr17-61683309-G-A. GRCh37 (hg19) VCF-style: chr17-59760670-G-A.
Other names: short protein forms P1246L.
Identifiers: ClinVar variation 232920 (VCV000232920.23), dbSNP rs876660074, ClinGen allele CA10580767.
Genomic context (GRCh38, chr17:61,683,309, plus strand): 5'-CATAAGCATGATGACATATTTTTACTTAGCTTGAGAGTTAAGTATTATTACTTAAAACCA[G>A]GAAACATGCCTTTATTTTTGGAAGGAGATGGTTTAAAGTTCTTTATTTCTATTTCATGAG-3'
Protein context (NP_114432.2, residues 1236-1249): PSPSKNKGMF[Pro1246Leu]GFK